The following is an entry in ClinVar:

ClinVar aggregate classification (germline): Conflicting classifications of pathogenicity. Review status: criteria provided, conflicting classifications (1 of 4 stars). 4 submissions from 4 submitters: Uncertain significance (1); Likely benign (3). Last evaluated 2025-11-25.

Conditions:
Familial hypercholesterolemia. Also called: Familial hypercholesterolaemia; Familial hypercholesterolemias. Identifiers: MedGen C0020445, MONDO:0005439.
Hypercholesterolemia, autosomal dominant, 3 (FHCL3). Also called: PCSK9-Related Familial Hypercholesterolemia, Autosomal Dominant; Familial Hypercholesterolemia, Autosomal Dominant, 3; Familial hypercholesterolemia 3. Identifiers: MedGen C1863551, MONDO:0011369, OMIM 603776.

Allele frequency attached by ClinVar (database versions not stated): gnomAD 0.00001 and 0.00003; TOPMed 0.00002; gnomAD exomes 0.00005 and 0.00014; ExAC 0.00047.
gnomAD v4.1: 70 of 1,553,462 alleles (0.0045%); highest among the groups gnomAD compares: South Asian, 0.062%; 1 homozygote.

Submissions (4):

Labcorp Genetics (formerly Invitae), Labcorp
Classification: Likely benign for Hypercholesterolemia, autosomal dominant, 3. Last evaluated: 2025-11-25. Review status: criteria provided, single submitter. Criteria: Invitae Variant Classification Sherloc (09022015). Collection method: clinical testing. Allele origin: germline.

Color Diagnostics, LLC DBA Color Health
Classification: Likely benign for Familial hypercholesterolemia. Last evaluated: 2024-09-05. Review status: criteria provided, single submitter. Criteria: ACMG Guidelines, 2015. Collection method: clinical testing. Allele origin: germline.

All of Us Research Program, National Institutes of Health
Classification: Likely benign for Hypercholesterolemia, autosomal dominant, 3. Last evaluated: 2023-10-30. Review status: criteria provided, single submitter. Criteria: ACMG Guidelines, 2015. Collection method: clinical testing. Allele origin: germline. Inheritance: Autosomal dominant inheritance. Observed: 4 variant alleles, 4 heterozygotes.
Comment: This study involves interpretation of variants in research participants for the purpose of population health screening. Participant phenotype was not available at the time of variant classification. Additional details can be found in publication PMID: 35346344, PMCID: PMC8962531

GeneDx
Classification: Uncertain significance. Last evaluated: 2017-09-12. Review status: criteria provided, single submitter. Criteria: GeneDx Variant Classification (06012015). Collection method: clinical testing. Allele origin: germline. Affected: yes.
Comment: A variant of uncertain significance has been identified in the PCSK9 gene. The V536I variant has not been published as pathogenic or been reported as benign to our knowledge. This variant is observed in 10/7950 (0.13%) alleles from individuals of South Asian ancestry in the Exome Aggregation Consortium (ExAC) dataset (Lek et al., 2016; Exome Variant Server). The V536I variant is a conservative amino acid substitution, which is not likely to impact secondary protein structure as these residues share similar properties. This substitution occurs at a position where amino acids with similar properties to valine (V) are tolerated across species and where isoleucine (I) is present as the wild type in several species. Finally, in silico analysis predicts this variant likely does not alter the protein structure/function.

NM_174936.4(PCSK9):c.1606G>A (p.Val536Ile)

Gene: PCSK9 (proprotein convertase subtilisin/kexin type 9; plus strand). Cytogenetic location: 1p32.3.
Variant type: single nucleotide variant.
Coding change: c.1606G>A on transcript NM_174936.4 (MANE Select); coding-DNA position 1606, G replaced by A.
Protein change: p.Val536Ile; replaces valine 536 with isoleucine.
Molecular consequence: missense variant.
Genome position (GRCh38, 1-based): chr1:55,059,588, G>A. VCF-style: chr1-55059588-G-A. GRCh37 (hg19) VCF-style: chr1-55525261-G-A.
Other names: c.1729G>A, p.Val577Ile (NM_001407240.1); c.1648G>A, p.Val550Ile (NM_001407241.1); c.1609G>A, p.Val537Ile (NM_001407242.1); c.1549G>A, p.Val517Ile (NM_001407243.1); c.1432G>A, p.Val478Ile (NM_001407244.1); c.1414G>A, p.Val472Ile (NM_001407245.1); c.1231G>A, p.Val411Ile (NM_001407246.1); short protein forms V536I, V517I, V550I, V537I, V577I, V411I, V472I, V478I.
Identifiers: ClinVar variation 451835 (VCV000451835.17), dbSNP rs776367625, ClinGen allele CA038148.
Genomic context (GRCh38, chr1:55,059,588, plus strand): 5'-GGGGGTGAGGGTGTCTACGCCATTGCCAGGTGCTGCCTGCTACCCCAGGCCAACTGCAGC[G>A]TCCACACAGCTCCACCAGCTGAGGCCAGCATGGGGACCCGTGTCCACTGCCACCAACAGG-3'
Protein context (NP_777596.2, residues 526-546): CCLLPQANCS[Val536Ile]HTAPPAEASM